The following is an entry in ClinVar:

NM_144702.3(LRRC71):c.1330-408G>C

Gene: LRRC71 (leucine rich repeat containing 71; plus strand). Cytogenetic location: 1q23.1.
Variant type: single nucleotide variant.
Coding change: c.1330-408G>C on transcript NM_144702.3 (MANE Select); 408 bases into the intron before coding-DNA position 1330, G replaced by C.
Molecular consequence: intron variant.
Genome position (GRCh38, 1-based): chr1:156,931,508, G>C. VCF-style: chr1-156931508-G-C. GRCh37 (hg19) VCF-style: chr1-156901300-G-C.
Identifiers: ClinVar variation 4880061 (VCV004880061.1).

ClinVar aggregate classification (germline): Uncertain significance (1 of 4 stars; one submission).

Conditions:
Primary ciliary dyskinesia. Also called: Ciliary dyskinesia. Identifiers: Orphanet 244, MedGen C0008780, MONDO:0016575, HP:0012265.

gnomAD v4.1: 3 of 152,126 alleles (0.002%); highest among the groups gnomAD compares: African/African-American, 0.0072%; no homozygotes.

Submission:

Department of Human Genetics, Hannover Medical School
Classification: Uncertain significance for Primary Ciliary Dyskinesia. Last evaluated: 2026-04-01. Review status: criteria provided, single submitter. Criteria: ACMG Guidelines, 2015. Collection method: research. Allele origin: germline. Affected: no.
Comment: Classification performed by HerediClassify using the following criteria:['PM2_supporting: Variant occures does not occur as homozygous in gnomAD.', 'PP3_splicing_supporting: Variant is predicted to have a splice effect by SpliceAI with evidence strength supporting.', "PP4_moderate: The PICADAR socre of 10.0 exceeds threshold of 8 achieving 'strong' evidence strength."]